The following is an entry in ClinVar:

ClinVar aggregate classification (germline): Benign (0 of 4 stars; one submission).

Conditions:
IL31RA-related disorder. Also called: IL31RA-related condition.

Allele frequency attached by ClinVar (database versions not stated): gnomAD exomes 0.02177; ExAC 0.02676; 1000 Genomes Project 0.05152; gnomAD 0.05456; 1000 Genomes Project 30x 0.05684; TOPMed 0.06058; ESP Exome Variant Server 0.06413.
gnomAD v4.1: 40,521 of 1,613,286 alleles (2.5%); highest among the groups gnomAD compares: African/African-American, 15%; 1,192 homozygotes.

Submission:

PreventionGenetics, part of Exact Sciences
Classification: Benign for IL31RA-related condition. Last evaluated: 2019-02-26. Review status: no assertion criteria provided. Collection method: clinical testing. Allele origin: germline.
Comment: This variant is classified as benign based on ACMG/AMP sequence variant interpretation guidelines (Richards et al. 2015 PMID: 25741868, with internal and published modifications).

NM_139017.7(IL31RA):c.307A>G (p.Asn103Asp)

Gene: IL31RA (interleukin 31 receptor A; plus strand). Cytogenetic location: 5q11.2.
Variant type: single nucleotide variant.
Coding change: c.307A>G on transcript NM_139017.7 (MANE Select); coding-DNA position 307, A replaced by G.
Protein change: p.Asn103Asp; replaces asparagine 103 with aspartic acid.
Molecular consequence: missense variant. On other transcripts: 5 prime UTR variant (1).
Genome position (GRCh38, 1-based): chr5:55,872,304, A>G. VCF-style: chr5-55872304-A-G. GRCh37 (hg19) VCF-style: chr5-55168132-A-G.
Other names: c.250A>G, p.Asn84Asp (NM_001242636.2, NM_001242638.2); c.307A>G, p.Asn103Asp (NM_001242637.2, NM_001297570.3); c.-120A>G (NM_001242639.2); short protein forms N103D, N84D.
Identifiers: ClinVar variation 3056087 (VCV003056087.2), dbSNP rs59086632, ClinGen allele CA3270453.
Genomic context (GRCh38, chr5:55,872,304, plus strand): 5'-ATGTTGAATCACTTTTTCTTTCAAAGCGCTTTTGGAGAAAAACATGATAATTGTACAACC[A>G]ATAGTTCTACAAGTGAAAATCGTGCTTCGTGCTCTTTTTTCCTTCCAAGAATAACGATCC-3'
Protein context (NP_620586.3, residues 93-113): FGEKHDNCTT[Asn103Asp]SSTSENRASC